The following is an entry in ClinVar:

ClinVar aggregate classification (germline): Pathogenic. Review status: criteria provided, multiple submitters, no conflicts (2 of 4 stars). 2 submissions from 2 submitters: Pathogenic (2). Last evaluated 2022-05-04.

Conditions:
Hereditary breast ovarian cancer syndrome. Also called: Hereditary breast and ovarian cancer; Hereditary breast and ovarian cancer syndrome (HBOC); Breast and ovarian cancer; Hereditary breast and/or ovarian cancer syndrome; BRCA1- and BRCA2-Associated Hereditary Breast and Ovarian Cancer; Hereditary breast and ovarian cancer syndrome. Identifiers: Orphanet 145, MedGen C0677776, MeSH D061325, MONDO:0003582. Disease mechanism: loss of function.
Familial cancer of breast. Also called: BREAST CANCER, FAMILIAL; Hereditary breast cancer; hereditary breast carcinoma. Identifiers: Orphanet 227535, MedGen C0346153, MONDO:0016419, OMIM 114480. Disease mechanism: loss of function.

Submissions (3):

Mendelics
Classification: Pathogenic for Familial cancer of breast. Last evaluated: 2022-05-04. Review status: criteria provided, single submitter. Criteria: Mendelics Assertion Criteria 2019. Collection method: clinical testing. Allele origin: germline.

Genetics Program, Instituto Nacional de Cancer
Classification: Pathogenic for Hereditary breast ovarian cancer syndrome. Last evaluated: 2021-11-01. Review status: criteria provided, single submitter. Criteria: ACMG Guidelines, 2015. Collection method: research. Allele origin: germline. Affected: yes.

Brotman Baty Institute, University of Washington
No classification provided (evidence only). Condition: Breast-ovarian cancer, familial 1. Review status: no classification provided. Collection method: in vitro. Allele origin: not applicable. Functional consequence: functionally_abnormal. Not counted in ClinVar's aggregate classification.
ClinVar note: "not provided" was previously submitted as the classification for the variant. However, the classification appeared to be based only on an observation of functional data so it was converted to no classification on 2025-07-30.

Literature cited by the submitters: PubMed 36329109 (cited by Genetics Program, Instituto Nacional de Cancer); PubMed 30209399 (cited by Genetics Program, Instituto Nacional de Cancer).

NM_007294.4(BRCA1):c.5153-2A>C

Gene: BRCA1 (BRCA1 DNA repair associated; minus strand). Cytogenetic location: 17q21.31.
Variant type: single nucleotide variant.
Coding change: c.5153-2A>C on transcript NM_007294.4 (MANE Select); the canonical splice acceptor site of the intron before coding-DNA position 5153, A replaced by C.
Molecular consequence: splice acceptor variant.
Genome position (GRCh38, 1-based): chr17:43,063,375, T>G on the plus strand (A>C on the coding strand, the complement: BRCA1 is on the minus strand). VCF-style: chr17-43063375-T-G. GRCh37 (hg19) VCF-style: chr17-41215392-T-G.
Other names: c.5027-2A>C (NM_001407670.1, NM_001407675.1, NM_001407680.1 and 10 more transcripts); c.1721-2A>C (NM_001408431.1, NM_001408425.1, NM_001408428.1 and 4 more transcripts); c.1724-2A>C (NM_001408424.1, NM_001408422.1, NM_001408421.1 and 1 more transcripts); c.1835-2A>C (NM_001408407.1, NM_001408406.1, NM_001408408.1); c.1838-2A>C (NM_001408402.1, NM_001408473.1, NM_001408399.1 and 8 more transcripts); c.1841-2A>C (NM_001407984.1, NM_001407983.1, NM_001407992.1 and 12 more transcripts); c.5144-2A>C (NM_001407645.1, NM_001407644.1); c.5147-2A>C (NM_001407628.1, NM_001407637.1, NM_001407641.1 and 14 more transcripts); and 72 more.
Identifiers: ClinVar variation 868759 (VCV000868759.30), dbSNP rs786202545, ClinGen allele CA10591237.